The following is an entry in ClinVar:

ClinVar aggregate classification (germline): Likely benign. Review status: criteria provided, multiple submitters, no conflicts (2 of 4 stars). 2 submissions from 2 submitters: Likely benign (2). Last evaluated 2024-08-01.

Submissions (2):

CeGaT Center for Human Genetics Tuebingen
Classification: Likely benign. Last evaluated: 2024-08-01. Review status: criteria provided, single submitter. Criteria: CeGaT Center For Human Genetics Tuebingen Variant Classification Criteria Version 2. Collection method: clinical testing. Allele origin: germline. Affected: yes. Observed: 1 variant allele.
Comment: ISCU: BP4, BP7

Blueprint Genetics
Classification: Likely benign. Last evaluated: 2020-12-22. Review status: criteria provided, single submitter. Criteria: ACMG Guidelines, 2015. Collection method: clinical testing. Allele origin: germline.

NM_213595.4(ISCU):c.418+430G>T

Gene: ISCU (iron-sulfur cluster assembly enzyme; plus strand). Cytogenetic location: 12q23.3.
Variant type: single nucleotide variant.
Coding change: c.418+430G>T on transcript NM_213595.4 (MANE Select); 430 bases into the intron after coding-DNA position 418, G replaced by T.
Molecular consequence: intron variant. On other transcripts: synonymous variant (2), non-coding transcript variant (1).
Genome position (GRCh38, 1-based): chr12:108,567,698, G>T. VCF-style: chr12-108567698-G-T. GRCh37 (hg19) VCF-style: chr12-108961474-G-T.
Other names: c.459G>T, p.Ser153= (NM_001301140.1, NM_001320042.1); c.343+430G>T (NM_014301.4); c.419-222G>T (NM_001301141.1).
Identifiers: ClinVar variation 3341968 (VCV003341968.17).